The following is an entry in ClinVar:

ClinVar aggregate classification (germline): Likely benign (1 of 4 stars; one submission).

Submission:

CeGaT Center for Human Genetics Tuebingen
Classification: Likely benign. Last evaluated: 2025-09-01. Review status: criteria provided, single submitter. Criteria: CeGaT Center For Human Genetics Tuebingen Variant Classification Criteria Version 2. Collection method: clinical testing. Allele origin: germline. Affected: yes. Observed: 1 variant allele.
Comment: CAT: BP4

NM_001752.4(CAT):c.350-5del

Gene: CAT (catalase; plus strand). Cytogenetic location: 11p13.
Variant type: Deletion.
Coding change: c.350-5del on transcript NM_001752.4 (MANE Select); 5 bases into the intron before coding-DNA position 350, one base deleted (T; older notation c.350-5delT).
Molecular consequence: intron variant.
Genome position (GRCh38, 1-based): chr11:34,452,072, T deleted; the last of 2 consecutive T bases (chr11:34,452,071-34,452,072); deleting either gives the same sequence. VCF-style (leftmost placement, unchanged base first): chr11-34452070-AT-A. GRCh37 (hg19) VCF-style: chr11-34473617-AT-A.
Identifiers: ClinVar variation 4083978 (VCV004083978.8).